The following is an entry in ClinVar:

NM_001367767.2(RASA4B):c.306C>T (p.Ser102=)

Gene: RASA4B (RAS p21 protein activator 4B; minus strand). Cytogenetic location: 7q22.1.
Variant type: single nucleotide variant.
Coding change: c.306C>T on transcript NM_001367767.2 (MANE Select); coding-DNA position 306, C replaced by T.
Protein change: p.Ser102=; no amino-acid change (serine 102 retained).
Molecular consequence: synonymous variant.
Genome position (GRCh38, 1-based): chr7:102,506,817, G>A on the plus strand (C>T on the coding strand, the complement: RASA4B is on the minus strand). VCF-style: chr7-102506817-G-A. GRCh37 (hg19) VCF-style: chr7-102147264-G-A.
Other names: c.306C>T, p.Ser102= (NM_001277335.2).
Identifiers: ClinVar variation 3771374 (VCV003771374.13).

ClinVar aggregate classification (germline): Likely benign (1 of 4 stars; one submission).

Submission:

CeGaT Center for Human Genetics Tuebingen
Classification: Likely benign. Last evaluated: 2025-11-01. Review status: criteria provided, single submitter. Criteria: CeGaT Center For Human Genetics Tuebingen Variant Classification Criteria Version 2. Collection method: clinical testing. Allele origin: germline. Affected: yes. Observed: 2 variant alleles.
Comment: RASA4B: BP4, BP7